The following is an entry in ClinVar:

ClinVar aggregate classification (germline): Uncertain significance (1 of 4 stars; one submission).

Allele frequency attached by ClinVar (database versions not stated): gnomAD 0.00001.
gnomAD v4.1: 1 of 1,612,586 alleles (0.000062%); highest among the groups gnomAD compares: African/African-American, 0.0013%; no homozygotes.

Submission:

Labcorp Genetics (formerly Invitae), Labcorp
Classification: Uncertain significance. Last evaluated: 2022-06-27. Review status: criteria provided, single submitter. Criteria: Invitae Variant Classification Sherloc (09022015). Collection method: clinical testing. Allele origin: germline.
Comment: Algorithms developed to predict the effect of missense changes on protein structure and function are either unavailable or do not agree on the potential impact of this missense change (SIFT: "Deleterious"; PolyPhen-2: "Benign"; Align-GVGD: "Class C0"). This variant has not been reported in the literature in individuals affected with RBP3-related conditions. This variant is present in population databases (no rsID available, gnomAD 0.01%). This sequence change replaces glutamine, which is neutral and polar, with leucine, which is neutral and non-polar, at codon 557 of the RBP3 protein (p.Gln557Leu). In summary, the available evidence is currently insufficient to determine the role of this variant in disease. Therefore, it has been classified as a Variant of Uncertain Significance.

NM_002900.3(RBP3):c.1670A>T (p.Gln557Leu)

Gene: RBP3 (retinol binding protein 3; plus strand). Cytogenetic location: 10q11.22.
Variant type: single nucleotide variant.
Coding change: c.1670A>T on transcript NM_002900.3 (MANE Select); coding-DNA position 1670, A replaced by T.
Protein change: p.Gln557Leu; replaces glutamine 557 with leucine.
Molecular consequence: missense variant.
Genome position (GRCh38, 1-based): chr10:47,350,154, A>T. VCF-style: chr10-47350154-A-T. GRCh37 (hg19) VCF-style: chr10-48389208-T-A.
Other names: short protein forms Q557L.
Identifiers: ClinVar variation 1359621 (VCV001359621.8), dbSNP rs1555211280, ClinGen allele CA376671223.
Genomic context (GRCh38, chr10:47,350,154, plus strand): 5'-TGTATCTGCTCACCAGCCACCGCACCGCCACGGCCGCGGAGGAGTTCGCCTTCCTTATGC[A>T]GTCGCTGGGCTGGGCCACACTGGTAGGTGAGATCACCGCGGGCAACCTGCTGCACACCCG-3'
Protein context (NP_002891.1, residues 547-567): TAAEEFAFLM[Gln557Leu]SLGWATLVGE